The following is an entry in ClinVar:

NM_000352.6(ABCC8):c.3967G>A (p.Glu1323Lys)

Gene: ABCC8 (ATP binding cassette subfamily C member 8; minus strand). Cytogenetic location: 11p15.1.
Variant type: single nucleotide variant.
Coding change: c.3967G>A on transcript NM_000352.6 (MANE Select); coding-DNA position 3967, G replaced by A.
Protein change: p.Glu1323Lys; replaces glutamic acid 1323 with lysine.
Molecular consequence: missense variant. On other transcripts: non-coding transcript variant (1).
Genome position (GRCh38, 1-based): chr11:17,397,214, C>T on the plus strand (G>A on the coding strand, the complement: ABCC8 is on the minus strand). VCF-style: chr11-17397214-C-T. GRCh37 (hg19) VCF-style: chr11-17418761-C-T.
Other names: c.3970G>A, p.Glu1324Lys (NM_001287174.3); c.4033G>A, p.Glu1345Lys (NM_001351295.2); c.3967G>A, p.Glu1323Lys (NM_001351296.2); c.3964G>A, p.Glu1322Lys (NM_001351297.2); short protein forms E1345K, E1324K, E1322K, E1323K.
Identifiers: ClinVar variation 2137011 (VCV002137011.4), dbSNP rs2496464671, ClinGen allele CA379791713.

ClinVar aggregate classification (germline): Likely pathogenic (1 of 4 stars; one submission).

Allele frequency attached by ClinVar (database versions not stated): gnomAD exomes below 0.00001.
gnomAD v4.1: 1 of 1,613,794 alleles (0.000062%); highest among the groups gnomAD compares: Non-Finnish European, 0.000085%; no homozygotes.

Submission:

Labcorp Genetics (formerly Invitae), Labcorp
Classification: Likely pathogenic. Last evaluated: 2023-10-14. Review status: criteria provided, single submitter. Criteria: Invitae Variant Classification Sherloc (09022015). Collection method: clinical testing. Allele origin: germline.
Comment: This sequence change replaces glutamic acid, which is acidic and polar, with lysine, which is basic and polar, at codon 1323 of the ABCC8 protein (p.Glu1323Lys). This variant is not present in population databases (gnomAD no frequency). This missense change has been observed in individuals with autosomal recessive congenital hyperinsulinism (PMID: 23266803, 26504125). This variant is also known as E1324K. ClinVar contains an entry for this variant (Variation ID: 2137011). Advanced modeling of protein sequence and biophysical properties (such as structural, functional, and spatial information, amino acid conservation, physicochemical variation, residue mobility, and thermodynamic stability) performed at Invitae indicates that this missense variant is expected to disrupt ABCC8 protein function. Experimental studies have shown that this missense change affects ABCC8 function (PMID: 26504125). In summary, the currently available evidence indicates that the variant is pathogenic, but additional data are needed to prove that conclusively. Therefore, this variant has been classified as Likely Pathogenic.

Literature cited by the submitters: PubMed 23266803; PubMed 26504125.